The following is an entry in ClinVar:

NM_000212.3(ITGB3):c.1243C>T (p.Leu415Phe)

Gene: ITGB3 (integrin subunit beta 3; plus strand). Cytogenetic location: 17q21.32.
Variant type: single nucleotide variant.
Coding change: c.1243C>T on transcript NM_000212.3 (MANE Select); coding-DNA position 1243, C replaced by T.
Protein change: p.Leu415Phe; replaces leucine 415 with phenylalanine.
Molecular consequence: missense variant.
Genome position (GRCh38, 1-based): chr17:47,291,071, C>T. VCF-style: chr17-47291071-C-T. GRCh37 (hg19) VCF-style: chr17-45368437-C-T.
Other names: short protein forms L415F.
Identifiers: ClinVar variation 4883303 (VCV004883303.2).
Genomic context (GRCh38, chr17:47,291,071, plus strand): 5'-TCCTTCAATGCCACCTGCCTCAACAATGAGGTCATCCCTGGCCTCAAGTCTTGTATGGGA[C>T]TCAAGATTGGAGACACGGTGAGGTGGGCTGGGCAGGGCCTTTGTCCTGGAGCATCTGTGG-3'
Protein context (NP_000203.2, residues 405-425): VIPGLKSCMG[Leu415Phe]KIGDTVSFSI

ClinVar aggregate classification (germline): Uncertain significance (1 of 4 stars; one submission).

Submission:

Dasa
Classification: Uncertain significance. Last evaluated: 2025-12-19. Review status: criteria provided, single submitter. Criteria: DASA Assertion Criteria. Collection method: clinical testing. Allele origin: germline.
Comment: NM_000212.3(ITGB3):c.1243C>T (p.Leu415Phe) is a missense variant that results in the substitution of leucine with phenylalanine. This variant is rare in population databases. Computational prediction algorithms are consistent with a deleterious effect. The currently available literature and clinical evidence are not sufficient to establish a definitive association between this variant and the reported condition. Therefore, this variant is classified as a variant of uncertain significance.